The following is an entry in ClinVar:

NM_181426.2(CCDC39):c.1528-43A>G

Gene: CCDC39 (coiled-coil domain 39 molecular ruler complex subunit; minus strand). Cytogenetic location: 3q26.33.
Variant type: single nucleotide variant.
Coding change: c.1528-43A>G on transcript NM_181426.2 (MANE Select); 43 bases into the intron before coding-DNA position 1528, A replaced by G.
Molecular consequence: intron variant.
Genome position (GRCh38, 1-based): chr3:180,644,300, T>C on the plus strand (A>G on the coding strand, the complement: CCDC39 is on the minus strand). VCF-style: chr3-180644300-T-C. GRCh37 (hg19) VCF-style: chr3-180362088-T-C.
Identifiers: ClinVar variation 262962 (VCV000262962.23), dbSNP rs73051767, ClinGen allele CA2715917.

ClinVar aggregate classification (germline): Benign. Review status: criteria provided, multiple submitters, no conflicts (2 of 4 stars). 5 submissions from 5 submitters: Benign (5). Last evaluated 2025-10-20.

Conditions:
Primary ciliary dyskinesia. Also called: Ciliary dyskinesia. Identifiers: Orphanet 244, MedGen C0008780, MONDO:0016575, HP:0012265.
Primary ciliary dyskinesia 14. Also called: CILIARY DYSKINESIA, PRIMARY, 14, WITH OR WITHOUT SITUS INVERSUS. Identifiers: Orphanet 244, MedGen C3151136, MONDO:0013434, OMIM 613807.

Allele frequency attached by ClinVar (database versions not stated): gnomAD exomes 0.04919 and 0.06659; ExAC 0.08646; ESP Exome Variant Server 0.12444; gnomAD 0.13339 and 0.13950; TOPMed 0.14976; 1000 Genomes Project 0.15395; 1000 Genomes Project 30x 0.16255.
gnomAD v4.1: 73,920 of 1,227,150 alleles (6%); highest among the groups gnomAD compares: African/African-American, 37%; 5,817 homozygotes.

Submissions (5):

Labcorp Genetics (formerly Invitae), Labcorp
Classification: Benign for Primary ciliary dyskinesia. Last evaluated: 2025-10-20. Review status: criteria provided, single submitter. Criteria: Invitae Variant Classification Sherloc (09022015). Collection method: clinical testing. Allele origin: germline.

ARUP Laboratories, Molecular Genetics and Genomics, ARUP Laboratories
Classification: Benign for Primary ciliary dyskinesia 14. Last evaluated: 2025-07-02. Review status: criteria provided, single submitter. Criteria: ARUP Molecular Germline Variant Investigation Process 2024. Collection method: clinical testing. Allele origin: germline.

GeneDx
Classification: Benign. Last evaluated: 2019-02-21. Review status: criteria provided, single submitter. Criteria: GeneDx Variant Classification Process June 2021. Collection method: clinical testing. Allele origin: germline. Affected: yes.
Comment: This variant is associated with the following publications: (PMID: 23891469)

Breakthrough Genomics
Classification: Benign. Review status: criteria provided, single submitter. Criteria: ACMG Guidelines, 2015. Collection method: not provided. Allele origin: germline. Inheritance: Autosomal recessive inheritance. Affected: yes.

PreventionGenetics, part of Exact Sciences
Classification: Benign. Review status: criteria provided, single submitter. Criteria: ACMG Guidelines, 2015. Collection method: clinical testing. Allele origin: germline.